The following is an entry in ClinVar:

ClinVar aggregate classification (germline): Uncertain significance. Review status: criteria provided, multiple submitters, no conflicts (2 of 4 stars). 3 submissions from 3 submitters: Uncertain significance (3). Last evaluated 2024-11-25.

Conditions:
Inborn genetic diseases. Identifiers: MedGen C0950123, MeSH D030342.

gnomAD v4.1: 64 of 1,610,930 alleles (0.004%); highest among the groups gnomAD compares: Non-Finnish European, 0.0053%; no homozygotes.

Submissions (3):

Ambry Genetics
Classification: Uncertain significance for Inborn genetic diseases. Last evaluated: 2024-11-25. Review status: criteria provided, single submitter. Criteria: Ambry Variant Classification Scheme 2023. Collection method: clinical testing. Allele origin: germline.

Labcorp Genetics (formerly Invitae), Labcorp
Classification: Uncertain significance. Last evaluated: 2024-11-11. Review status: criteria provided, single submitter. Criteria: Invitae Variant Classification Sherloc (09022015). Collection method: clinical testing. Allele origin: germline.
Comment: This sequence change replaces glutamic acid, which is acidic and polar, with lysine, which is basic and polar, at codon 1102 of the ANK3 protein (p.Glu1102Lys). This variant is present in population databases (rs376941205, gnomAD 0.002%). This variant has not been reported in the literature in individuals affected with ANK3-related conditions. Invitae Evidence Modeling of protein sequence and biophysical properties (such as structural, functional, and spatial information, amino acid conservation, physicochemical variation, residue mobility, and thermodynamic stability) indicates that this missense variant is not expected to disrupt ANK3 protein function with a negative predictive value of 80%. In summary, the available evidence is currently insufficient to determine the role of this variant in disease. Therefore, it has been classified as a Variant of Uncertain Significance.

GeneDx
Classification: Uncertain significance. Last evaluated: 2023-12-23. Review status: criteria provided, single submitter. Criteria: GeneDx Variant Classification Process June 2021. Collection method: clinical testing. Allele origin: germline. Affected: yes.
Comment: In silico analysis supports that this missense variant has a deleterious effect on protein structure/function; Has not been previously published as pathogenic or benign to our knowledge

NM_020987.5(ANK3):c.3304G>A (p.Glu1102Lys)

Gene: ANK3 (ankyrin 3; minus strand). Cytogenetic location: 10q21.2.
Variant type: single nucleotide variant.
Coding change: c.3304G>A on transcript NM_020987.5 (MANE Select); coding-DNA position 3304, G replaced by A.
Protein change: p.Glu1102Lys; replaces glutamic acid 1102 with lysine.
Molecular consequence: missense variant.
Genome position (GRCh38, 1-based): chr10:60,105,929, C>T on the plus strand (G>A on the coding strand, the complement: ANK3 is on the minus strand). VCF-style: chr10-60105929-C-T. GRCh37 (hg19) VCF-style: chr10-61865687-C-T.
Other names: c.3307G>A, p.Glu1103Lys (NM_001204404.2); c.3304G>A, p.Glu1102Lys (NM_001320874.2); c.706G>A, p.Glu236Lys (NM_001149.4); c.3286G>A, p.Glu1096Lys (NM_001204403.2); short protein forms E1096K, E1102K, E1103K, E236K.
Identifiers: ClinVar variation 3365776 (VCV003365776.4).